The following is an entry in ClinVar:

ClinVar aggregate classification (germline): Uncertain significance (1 of 4 stars; one submission).

Submission:

Ambry Genetics
Classification: Uncertain significance. Last evaluated: 2025-03-07. Review status: criteria provided, single submitter. Criteria: Ambry Variant Classification Scheme 2023. Collection method: clinical testing. Allele origin: germline.
Comment: The p.Q345R variant (also known as c.1034A>G), located in coding exon 9 of the RAD51B gene, results from an A to G substitution at nucleotide position 1034. The glutamine at codon 345 is replaced by arginine, an amino acid with highly similar properties. This amino acid position is conserved. In addition, this alteration is predicted to be tolerated by in silico analysis. Based on the available evidence, the clinical significance of this variant remains unclear.

NM_133510.4(RAD51B):c.1034A>G (p.Gln345Arg)

Gene: RAD51B (RAD51 paralog B; plus strand). Cytogenetic location: 14q24.1.
Variant type: single nucleotide variant.
Coding change: c.1034A>G on transcript NM_133510.4 (MANE Select); coding-DNA position 1034, A replaced by G.
Protein change: p.Gln345Arg; replaces glutamine 345 with arginine.
Molecular consequence: missense variant.
Genome position (GRCh38, 1-based): chr14:68,468,248, A>G. VCF-style: chr14-68468248-A-G. GRCh37 (hg19) VCF-style: chr14-68934965-A-G.
Other names: c.1034A>G, p.Gln345Arg (NM_001321809.2, NM_001321810.2, NM_001321812.1 and 6 more transcripts); c.920A>G, p.Gln307Arg (NM_001321815.1); c.677A>G, p.Gln226Arg (NM_001321817.2); short protein forms Q345R, Q307R, Q226R.
Identifiers: ClinVar variation 3786477 (VCV003786477.1).